The following is an entry in ClinVar:

NM_013275.6(ANKRD11):c.87+6G>A

Gene: ANKRD11 (ankyrin repeat domain 11; minus strand). Cytogenetic location: 16q24.3.
Variant type: single nucleotide variant.
Coding change: c.87+6G>A on transcript NM_013275.6 (MANE Select); 6 bases into the intron after coding-DNA position 87, G replaced by A.
Molecular consequence: intron variant.
Genome position (GRCh38, 1-based): chr16:89,316,927, C>T on the plus strand (G>A on the coding strand, the complement: ANKRD11 is on the minus strand). VCF-style: chr16-89316927-C-T. GRCh37 (hg19) VCF-style: chr16-89383335-C-T.
Other names: c.87+6G>A (NM_001256183.2, NM_001256182.2).
Identifiers: ClinVar variation 2724955 (VCV002724955.5), dbSNP rs764058065, ClinGen allele CA8243281.

ClinVar aggregate classification (germline): Conflicting classifications of pathogenicity. Review status: criteria provided, conflicting classifications (1 of 4 stars). 3 submissions from 3 submitters: Uncertain significance (1); Likely benign (2). Last evaluated 2025-03-13.

Conditions:
KBG syndrome (KBGS). Also called: ANKRD11-Related KBG Syndrome. Identifiers: Orphanet 2332, MedGen C0220687, MONDO:0007846, OMIM 148050.

Allele frequency attached by ClinVar (database versions not stated): ExAC 0.00001; gnomAD exomes 0.00001.

Submissions (3):

Labcorp Genetics (formerly Invitae), Labcorp
Classification: Uncertain significance for KBG syndrome. Last evaluated: 2025-03-13. Review status: criteria provided, single submitter. Criteria: Invitae Variant Classification Sherloc (09022015). Collection method: clinical testing. Allele origin: germline.
Comment: This sequence change falls in intron 3 of the ANKRD11 gene. It does not directly change the encoded amino acid sequence of the ANKRD11 protein. It affects a nucleotide within the consensus splice site. This variant is present in population databases (rs764058065, gnomAD 0.0009%). This variant has not been reported in the literature in individuals affected with ANKRD11-related conditions. ClinVar contains an entry for this variant (Variation ID: 2724955). Variants that disrupt the consensus splice site are a relatively common cause of aberrant splicing (PMID: 17576681, 9536098). Algorithms developed to predict the effect of sequence changes on RNA splicing suggest that this variant is not likely to affect RNA splicing. In summary, the available evidence is currently insufficient to determine the role of this variant in disease. Therefore, it has been classified as a Variant of Uncertain Significance.

Laboratory of Genetics, Children's Clinical University Hospital Latvia
Classification: Likely benign. Last evaluated: 2025-02-16. Review status: criteria provided, single submitter. Criteria: ACMG Guidelines, 2015. Collection method: clinical testing. Allele origin: germline. Affected: yes.

Blueprint Genetics
Classification: Likely benign. Last evaluated: 2023-10-27. Review status: criteria provided, single submitter. Criteria: ACMG Guidelines, 2015. Collection method: clinical testing. Allele origin: germline.

Literature cited by the submitters: PubMed 17576681 (cited by Labcorp Genetics (formerly Invitae), Labcorp); PubMed 9536098 (cited by Labcorp Genetics (formerly Invitae), Labcorp).